The following is an entry in ClinVar:

NM_001184.4(ATR):c.2941G>A (p.Val981Ile)

Gene: ATR (ATR checkpoint kinase; minus strand). Cytogenetic location: 3q23.
Variant type: single nucleotide variant.
Coding change: c.2941G>A on transcript NM_001184.4 (MANE Select); coding-DNA position 2941, G replaced by A.
Protein change: p.Val981Ile; replaces valine 981 with isoleucine.
Molecular consequence: missense variant.
Genome position (GRCh38, 1-based): chr3:142,550,167, C>T on the plus strand (G>A on the coding strand, the complement: ATR is on the minus strand). VCF-style: chr3-142550167-C-T. GRCh37 (hg19) VCF-style: chr3-142269009-C-T.
Other names: c.2749G>A, p.Val917Ile (NM_001354579.2); short protein forms V917I, V981I.
Identifiers: ClinVar variation 1040682 (VCV001040682.9), dbSNP rs369913351, ClinGen allele CA2650246.
Genomic context (GRCh38, chr3:142,550,167, plus strand): 5'-AAGTGAACTATATGTTGCAACTTACAGTAAGAAAACGATTAAGATCAGGAAAGTCGAAAA[C>T]GTTGGCAATTTCAGACAACGTATTTAAAGCCATTTCTCTCTGGTGAGCCACATCTTGTTT-3'
Protein context (NP_001175.2, residues 971-991): ALNTLSEIAN[Val981Ile]FDFPDLNRFL

ClinVar aggregate classification (germline): Uncertain significance. Review status: criteria provided, multiple submitters, no conflicts (2 of 4 stars). 4 submissions from 3 submitters: Uncertain significance (4). Last evaluated 2023-02-08.

Conditions:
Familial cutaneous telangiectasia and oropharyngeal predisposition cancer syndrome. Identifiers: Orphanet 313846, MedGen C3281203, MONDO:0013806, OMIM 614564.
Seckel syndrome 1 (SCKL1). Also called: MICROCEPHALIC PRIMORDIAL DWARFISM I. Identifiers: Orphanet 808, MedGen C4551474, MONDO:0008869, OMIM 210600.
Inborn genetic diseases. Identifiers: MedGen C0950123, MeSH D030342.

Allele frequency attached by ClinVar (database versions not stated): gnomAD exomes below 0.00001 and 0.00001; ExAC 0.00001; gnomAD 0.00003 and 0.00004; TOPMed 0.00003; ESP Exome Variant Server 0.00008.
gnomAD v4.1: 11 of 1,614,004 alleles (0.00068%); highest among the groups gnomAD compares: African/African-American, 0.0053%; no homozygotes.

Submissions (4):

Genome-Nilou Lab
Classification: Uncertain significance for Seckel syndrome 1. Last evaluated: 2023-02-08. Review status: criteria provided, single submitter. Criteria: ACMG Guidelines, 2015. Collection method: clinical testing. Allele origin: germline.

Genome-Nilou Lab
Classification: Uncertain significance for Familial cutaneous telangiectasia and oropharyngeal predisposition cancer syndrome. Last evaluated: 2023-02-08. Review status: criteria provided, single submitter. Criteria: ACMG Guidelines, 2015. Collection method: clinical testing. Allele origin: germline.

Ambry Genetics
Classification: Uncertain significance for Inborn genetic diseases. Last evaluated: 2022-10-12. Review status: criteria provided, single submitter. Criteria: Ambry Variant Classification Scheme 2023. Collection method: clinical testing. Allele origin: germline.
Comment: The p.V981I variant (also known as c.2941G>A), located in coding exon 14 of the ATR gene, results from a G to A substitution at nucleotide position 2941. The valine at codon 981 is replaced by isoleucine, an amino acid with highly similar properties. This amino acid position is conserved. In addition, this alteration is predicted to be tolerated by in silico analysis. Since supporting evidence is limited at this time, the clinical significance of this alteration remains unclear.

Labcorp Genetics (formerly Invitae), Labcorp
Classification: Uncertain significance. Last evaluated: 2022-08-09. Review status: criteria provided, single submitter. Criteria: Invitae Variant Classification Sherloc (09022015). Collection method: clinical testing. Allele origin: germline.
Comment: In summary, the available evidence is currently insufficient to determine the role of this variant in disease. Therefore, it has been classified as a Variant of Uncertain Significance. Algorithms developed to predict the effect of missense changes on protein structure and function (SIFT, PolyPhen-2, Align-GVGD) all suggest that this variant is likely to be tolerated. ClinVar contains an entry for this variant (Variation ID: 1040682). This variant has not been reported in the literature in individuals affected with ATR-related conditions. This variant is present in population databases (rs369913351, gnomAD 0.007%). This sequence change replaces valine, which is neutral and non-polar, with isoleucine, which is neutral and non-polar, at codon 981 of the ATR protein (p.Val981Ile).